The following is an entry in ClinVar:

ClinVar aggregate classification (germline): Uncertain significance (1 of 4 stars; one submission).

Submission:

GeneDx
Classification: Uncertain significance. Last evaluated: 2026-02-10. Review status: criteria provided, single submitter. Criteria: GeneDx Variant Classification Process June 2021. Collection method: clinical testing. Allele origin: germline.
Comment: Not observed at significant frequency in large population cohorts (gnomAD); In silico analysis supports that this missense variant has a deleterious effect on protein structure/function; Has not been previously published as pathogenic or benign to our knowledge.

NM_182641.4(BPTF):c.2555T>A (p.Met852Lys)

Gene: BPTF (bromodomain PHD finger transcription factor; plus strand). Cytogenetic location: 17q24.2.
Variant type: single nucleotide variant.
Coding change: c.2555T>A on transcript NM_182641.4 (MANE Select); coding-DNA position 2555, T replaced by A.
Protein change: p.Met852Lys; replaces methionine 852 with lysine.
Molecular consequence: missense variant.
Genome position (GRCh38, 1-based): chr17:67,903,800, T>A. VCF-style: chr17-67903800-T-A. GRCh37 (hg19) VCF-style: chr17-65899916-T-A.
Other names: c.2744T>A, p.Met915Lys (NM_001439139.1, NM_001439141.1, NM_001439143.1 and 1 more transcripts); c.2933T>A, p.Met978Lys (NM_001439140.1, NM_001439142.1, NM_004459.7); short protein forms M852K, M915K, M978K.
Identifiers: ClinVar variation 4975717 (VCV004975717.1).
Genomic context (GRCh38, chr17:67,903,800, plus strand): 5'-CTGTTTATTTTTCCAAGTTAACATTGTCTTTCTATGCATGAATTCTTAGGTTACACCGGA[T>A]GACATCAATTGAAAGAGAAGAAAAGGAGAAAGTCAAAAAAAAAGAGAAGAAACAGGAAGA-3'
Protein context (NP_872579.2, residues 842-862): ESLGHTRLHR[Met852Lys]TSIEREEKEK